The following is an entry in ClinVar:

ClinVar aggregate classification (germline): Likely benign. Review status: criteria provided, multiple submitters, no conflicts (2 of 4 stars). 2 submissions from 2 submitters: Likely benign (2). Last evaluated 2025-12-14.

Conditions:
Hereditary diffuse gastric adenocarcinoma (HDGC). Also called: DIFFUSE GASTRIC AND LOBULAR BREAST CANCER SYNDROME. Identifiers: Orphanet 26106, MedGen C1708349, MONDO:0007648, OMIM 137215.

Allele frequency attached by ClinVar (database versions not stated): ExAC 0.00001.
gnomAD v4.1: 2 of 1,612,646 alleles (0.00012%); highest among the groups gnomAD compares: Admixed American, 0.0017%; no homozygotes.

Submissions (2):

Labcorp Genetics (formerly Invitae), Labcorp
Classification: Likely benign. Last evaluated: 2025-12-14. Review status: criteria provided, single submitter. Criteria: Invitae Variant Classification Sherloc (09022015). Collection method: clinical testing. Allele origin: germline.

Myriad Genetics, Inc.
Classification: Likely benign for Hereditary diffuse gastric adenocarcinoma. Last evaluated: 2024-10-14. Review status: criteria provided, single submitter. Criteria: Myriad Autosomal Dominant, Autosomal Recessive and X-Linked Classification Criteria (2023). Collection method: clinical testing. Allele origin: unknown.
Comment: This variant is considered likely benign. This variant is intronic and is not expected to impact mRNA splicing.

NM_001903.5(CTNNA1):c.1748-14C>T

Gene: CTNNA1 (catenin alpha 1; plus strand). Cytogenetic location: 5q31.2.
Variant type: single nucleotide variant.
Coding change: c.1748-14C>T on transcript NM_001903.5 (MANE Select); 14 bases into the intron before coding-DNA position 1748, C replaced by T.
Molecular consequence: intron variant.
Genome position (GRCh38, 1-based): chr5:138,925,242, C>T. VCF-style: chr5-138925242-C-T. GRCh37 (hg19) VCF-style: chr5-138260931-C-T.
Other names: c.1748-14C>T (NM_001323982.2, NM_001323984.2, NM_001290307.3 and 2 more transcripts); c.1655-14C>T (NM_001323986.2); c.1379-14C>T (NM_001290310.3); c.1439-14C>T (NM_001290309.3); c.638-14C>T (NM_001323996.1, NM_001323993.1, NM_001324005.1 and 17 more transcripts); c.299-14C>T (NM_001324007.1, NM_001324009.1, NM_001324006.1 and 2 more transcripts); c.395-14C>T (NM_001324013.1, NM_001324012.1); c.545-14C>T (NM_001324011.1).
Identifiers: ClinVar variation 2909802 (VCV002909802.4), dbSNP rs771321789, ClinGen allele CA3432028.